The following is an entry in ClinVar:

ClinVar aggregate classification (germline): Uncertain significance (1 of 4 stars; one submission).

Conditions:
Hereditary cancer-predisposing syndrome. Also called: Neoplastic Syndromes, Hereditary; Tumor predisposition; Hereditary Cancer Syndrome; Hereditary neoplastic syndrome. Identifiers: Orphanet 140162, MedGen C0027672, MeSH D009386, MONDO:0015356.

Submission:

Ambry Genetics
Classification: Uncertain significance for Hereditary cancer-predisposing syndrome. Last evaluated: 2014-03-18. Review status: criteria provided, single submitter. Criteria: Ambry Autosomal Dominant and X-Linked criteria (10/2015). Collection method: clinical testing. Allele origin: germline. Observed: 1 variant allele.
Comment: Ã¢â‚¬â€¹The p.Q2582K variant (also known as c.7744C>A), located in coding exon 53 of the NF1 gene, results from a C to A substitution at nucleotide position 7744. The glutamine at codon 2582 is replaced by lysine, an amino acid with similar properties. This variant was not reported in population based cohorts in the following databases: Database of Single Nucleotide Polymorphisms (dbSNP), NHLBI Exome Sequencing Project (ESP), and 1000 Genomes Project. To date, this alteration has been detected with an allele frequency of approximately 0.02% (greater than 5000 alleles tested) in our clinical cohort (includes this individual). This amino acid position is well conserved in available vertebrate species. In addition, this alteration is predicted to be benign and tolerated by PolyPhen and SIFT in silico analyses, respectively. Since supporting evidence is limited at this time, the clinical significance of p.Q2582K remains unclear.

NM_001042492.3(NF1):c.7744C>A (p.Gln2582Lys)

Gene: NF1 (neurofibromin 1; plus strand). Cytogenetic location: 17q11.2.
Variant type: single nucleotide variant.
Coding change: c.7744C>A on transcript NM_001042492.3 (MANE Select); coding-DNA position 7744, C replaced by A.
Protein change: p.Gln2582Lys; replaces glutamine 2582 with lysine.
Molecular consequence: missense variant.
Genome position (GRCh38, 1-based): chr17:31,356,965, C>A. VCF-style: chr17-31356965-C-A. GRCh37 (hg19) VCF-style: chr17-29683983-C-A.
Other names: c.7681C>A, p.Gln2561Lys (NM_000267.4); short protein forms Q2561K, Q2582K.
Identifiers: ClinVar variation 141313 (VCV000141313.3), dbSNP rs587781651, ClinGen allele CA165085.